The following is an entry in ClinVar:

ClinVar aggregate classification (germline): Conflicting classifications of pathogenicity. Review status: criteria provided, conflicting classifications (1 of 4 stars). 8 submissions from 8 submitters: Uncertain significance (4); Benign (1); Likely benign (3). Last evaluated 2026-01-19.

Conditions:
Cardiovascular phenotype. Identifiers: MedGen CN230736.
Cardiomyopathy (CMYO). Also called: Cardiomyopathies. Identifiers: Orphanet 167848, MedGen C0878544, MONDO:0004994, HP:0001638. Inheritance: Various modes of inheritance.
Arrhythmogenic right ventricular dysplasia 11. Also called: Arrhythmogenic Right Ventricular Dysplasia/Cardiomyopathy11; ARRHYTHMOGENIC RIGHT VENTRICULAR DYSPLASIA, FAMILIAL, 11; Arrhythmogenic right ventricular dysplasia 11 with mild palmoplantar keratoderma and woolly hair. Identifiers: MedGen C1864850, MONDO:0012506, OMIM 610476.
Familial isolated arrhythmogenic right ventricular dysplasia. Identifiers: Orphanet 217656, MedGen C4274968, MONDO:0016342.

Allele frequency attached by ClinVar (database versions not stated): TOPMed 0.00003; ExAC 0.00004; gnomAD exomes 0.00004; 1000 Genomes Project 30x 0.00047; 1000 Genomes Project 0.00060.
gnomAD v4.1: 53 of 1,614,066 alleles (0.0033%); highest among the groups gnomAD compares: East Asian, 0.033%; 2 homozygotes.

Submissions (10):

Labcorp Genetics (formerly Invitae), Labcorp
Classification: Likely benign for Arrhythmogenic right ventricular dysplasia 11. Last evaluated: 2026-01-19. Review status: criteria provided, single submitter. Criteria: Invitae Variant Classification Sherloc (09022015). Collection method: clinical testing. Allele origin: germline.

Blueprint Genetics
Classification: Uncertain significance. Last evaluated: 2024-01-23. Review status: criteria provided, single submitter. Criteria: ACMG Guidelines, 2015. Collection method: clinical testing. Allele origin: germline.

All of Us Research Program, National Institutes of Health
Classification: Likely benign for Familial isolated arrhythmogenic right ventricular dysplasia. Last evaluated: 2024-01-11. Review status: criteria provided, single submitter. Criteria: ACMG Guidelines, 2015. Collection method: clinical testing. Allele origin: germline. Inheritance: Autosomal dominant inheritance. Observed: 11 variant alleles, 11 heterozygotes.
Comment: This synonymous variant does not change the amino acid sequence of the DSC2 protein. However, splice prediction tools suggest that this variant may disrupt RNA splicing. To our knowledge, functional studies have not been performed to investigate this prediction. This variant has not been reported in individuals affected with cardiovascular disorders in the literature. This variant has been identified in 11/251304 chromosomes in the general population by the Genome Aggregation Database (gnomAD). The available evidence is insufficient to determine the role of this variant in disease conclusively. Therefore, this variant is classified as a Variant of Uncertain Significance.

This study involves interpretation of variants in research participants for the purpose of population health screening. Participant phenotype was not available at the time of variant classification. Additional details can be found in publication PMID: 35346344, PMCID: PMC8962531

Color Diagnostics, LLC DBA Color Health
Classification: Likely benign for Cardiomyopathy. Last evaluated: 2023-12-05. Review status: criteria provided, single submitter. Criteria: ACMG Guidelines, 2015. Collection method: clinical testing. Allele origin: germline.

Ambry Genetics
Classification: Benign for Cardiovascular phenotype. Last evaluated: 2021-08-04. Review status: criteria provided, single submitter. Criteria: Ambry Variant Classification Scheme 2023. Collection method: clinical testing. Allele origin: germline.

Women's Health and Genetics/Laboratory Corporation of America, LabCorp
Classification: Uncertain significance. Last evaluated: 2021-04-20. Review status: criteria provided, single submitter. Criteria: LabCorp Variant Classification Summary - May 2015. Collection method: clinical testing. Allele origin: germline.
Comment: Variant summary: DSC2 c.408A>G alters a conserved nucleotide resulting in a synonymous change. Several computational tools predict a significant impact on normal splicing: Three predict the variant creates a cryptic exonic 5' splice donor site. However, these predictions have yet to be confirmed by functional studies. The variant allele was found at a frequency of 4.4e-05 in 251304 control chromosomes. This frequency is not significantly higher than expected for a pathogenic variant in DSC2 causing Arrhythmogenic Right Ventricular Dysplasia/Cardiomyopathy (4.4e-05 vs 0.00016), allowing no conclusion about variant significance. To our knowledge, no occurrence of c.408A>G in individuals affected with Arrhythmogenic Right Ventricular Dysplasia/Cardiomyopathy and no experimental evidence demonstrating its impact on protein function have been reported. Four clinical diagnostic laboratories have submitted clinical-significance assessments for this variant to ClinVar after 2014 (VUS, n=3, likely benign, n=1). Based on the evidence outlined above, the variant was classified as VUS-possibly benign.

Illumina Laboratory Services, Illumina
Classification: Uncertain significance for Arrhythmogenic right ventricular dysplasia 11. Last evaluated: 2019-09-09. Review status: criteria provided, single submitter. Criteria: ICSL Variant Classification Criteria 13 December 2019. Collection method: clinical testing. Allele origin: germline.

Stanford Center for Inherited Cardiovascular Disease, Stanford University
Classification: Uncertain significance. Last evaluated: 2014-05-16. Review status: criteria provided, single submitter. Criteria: ACMG Guidelines, 2015. Collection method: provider interpretation. Allele origin: germline.

Dr. Peter K. Rogan Lab, Western University
No classification provided (evidence only). Condition: Gastric cancer. Review status: no classification provided. Collection method: in vitro. Allele origin: not applicable. Functional consequence: retained intron. Not counted in ClinVar's aggregate classification.

Dr. Peter K. Rogan Lab, Western University
No classification provided (evidence only). Condition: Malignant tumor of esophagus. Review status: no classification provided. Collection method: in vitro. Allele origin: not applicable. Functional consequence: retained intron. Not counted in ClinVar's aggregate classification.

NM_024422.6(DSC2):c.408A>G (p.Arg136=)

Gene: DSC2 (desmocollin 2; minus strand). Cytogenetic location: 18q12.1.
Variant type: single nucleotide variant.
Coding change: c.408A>G on transcript NM_024422.6 (MANE Select); coding-DNA position 408, A replaced by G.
Protein change: p.Arg136=; no amino-acid change (arginine 136 retained).
Molecular consequence: synonymous variant.
Genome position (GRCh38, 1-based): chr18:31,091,094, T>C on the plus strand (A>G on the coding strand, the complement: DSC2 is on the minus strand). VCF-style: chr18-31091094-T-C. GRCh37 (hg19) VCF-style: chr18-28671057-T-C.
Other names: c.408A>G, p.Arg136= (NM_004949.5).
Identifiers: ClinVar variation 234987 (VCV000234987.30), dbSNP rs561653481, ClinGen allele CA038341.